The following is an entry in ClinVar:

NM_001613.4(ACTA2):c.919A>G (p.Met307Val)

Genes: ACTA2 (actin alpha 2, smooth muscle; minus strand), ACTA2-AS1 (ACTA2 antisense RNA 1; plus strand). Cytogenetic location: 10q23.31.
Variant type: single nucleotide variant.
Coding change: c.919A>G on transcript NM_001613.4 (MANE Select); coding-DNA position 919, A replaced by G.
Protein change: p.Met307Val; replaces methionine 307 with valine.
Molecular consequence: missense variant.
Genome position (GRCh38, 1-based): chr10:88,938,132, T>C on the plus strand (A>G on the coding strand, the complement: ACTA2 is on the minus strand). VCF-style: chr10-88938132-T-C. GRCh37 (hg19) VCF-style: chr10-90697889-T-C.
Other names: c.919A>G, p.Met307Val (NM_001141945.3, NM_001320855.2, NM_001406462.1 and 2 more transcripts); c.808A>G, p.Met270Val (NM_001406466.1); c.790A>G, p.Met264Val (NM_001406467.1, NM_001406468.1, NM_001406469.1); c.727A>G, p.Met243Val (NM_001406471.1); short protein forms M243V, M264V, M270V, M307V.
Identifiers: ClinVar variation 2888842 (VCV002888842.6), dbSNP rs1845779183, ClinGen allele CA377510794.
Genomic context (GRCh38, chr10:88,938,132, plus strand): 5'-TGGTGCTGGGTGCTAGGGCCGTGATCTCCTTCTGCATTCGGTCGGCAATGCCAGGGTACA[T>C]AGTGGTGCCCCCTGATAGGACATTGTTAGCATAGAGGTCCTTCCTGATGTCAATATCACA-3'
Protein context (NP_001604.1, residues 297-317): ANNVLSGGTT[Met307Val]YPGIADRMQK

ClinVar aggregate classification (germline): Uncertain significance. Review status: criteria provided, multiple submitters, no conflicts (2 of 4 stars). 4 submissions from 4 submitters: Uncertain significance (4). Last evaluated 2026-02-19.

Conditions:
Aortic aneurysm, familial thoracic 6 (AAT6). Also called: FAMILIAL THORACIC AORTIC ANEURYSM WITH LIVEDO RETICULARIS AND IRIS FLOCCULI. Identifiers: MedGen C2673186, MONDO:0012730, OMIM 611788.
Familial thoracic aortic aneurysm and aortic dissection (TAAD). Also called: Thoracic aortic aneurysms and dissections. Identifiers: Orphanet 91387, MedGen C4707243, MONDO:0019625.

Submissions (4):

Ambry Genetics
Classification: Uncertain significance for Familial thoracic aortic aneurysm and aortic dissection. Last evaluated: 2026-02-19. Review status: criteria provided, single submitter. Criteria: Ambry Variant Classification Scheme 2023. Collection method: clinical testing. Allele origin: germline.
Comment: The p.M307V variant (also known as c.919A>G), located in coding exon 7 of the ACTA2 gene, results from an A to G substitution at nucleotide position 919. The methionine at codon 307 is replaced by valine, an amino acid with highly similar properties. This amino acid position is conserved. In addition, this alteration is predicted to be deleterious by in silico analysis. Based on the available evidence, the clinical significance of this variant remains unclear.

Color Diagnostics, LLC DBA Color Health
Classification: Uncertain significance for Familial thoracic aortic aneurysm and aortic dissection. Last evaluated: 2024-08-05. Review status: criteria provided, single submitter. Criteria: ACMG Guidelines, 2015. Collection method: clinical testing. Allele origin: germline.
Comment: This missense variant replaces methionine with valine at codon 307 of the ACTA2 protein. Computational prediction suggests that this variant may have deleterious impact on protein structure and function (internally defined REVEL score threshold >= 0.7, PMID: 27666373). To our knowledge, functional studies have not been reported for this variant. This variant has not been reported in individuals affected with ACTA2-related disorders in the literature. This variant has not been identified in the general population by the Genome Aggregation Database (gnomAD). The available evidence is insufficient to determine the role of this variant in disease conclusively. Therefore, this variant is classified as a Variant of Uncertain Significance.

All of Us Research Program, National Institutes of Health
Classification: Uncertain significance for Familial thoracic aortic aneurysm and aortic dissection. Last evaluated: 2023-04-27. Review status: criteria provided, single submitter. Criteria: ACMG Guidelines, 2015. Collection method: clinical testing. Allele origin: germline. Inheritance: Autosomal dominant inheritance. Observed: 1 variant allele, 1 heterozygote.
Comment: This study involves interpretation of variants in research participants for the purpose of population health screening. Participant phenotype was not available at the time of variant classification. Additional details can be found in publication PMID: 35346344, PMCID: PMC8962531

Labcorp Genetics (formerly Invitae), Labcorp
Classification: Uncertain significance for Aortic aneurysm, familial thoracic 6. Last evaluated: 2022-12-23. Review status: criteria provided, single submitter. Criteria: Invitae Variant Classification Sherloc (09022015). Collection method: clinical testing. Allele origin: germline.
Comment: In summary, the available evidence is currently insufficient to determine the role of this variant in disease. Therefore, it has been classified as a Variant of Uncertain Significance. This sequence change replaces methionine, which is neutral and non-polar, with valine, which is neutral and non-polar, at codon 307 of the ACTA2 protein (p.Met307Val). This variant is not present in population databases (gnomAD no frequency). This variant has not been reported in the literature in individuals affected with ACTA2-related conditions. Advanced modeling of protein sequence and biophysical properties (such as structural, functional, and spatial information, amino acid conservation, physicochemical variation, residue mobility, and thermodynamic stability) performed at Invitae indicates that this missense variant is not expected to disrupt ACTA2 protein function.